The following is an entry in ClinVar:

ClinVar aggregate classification (germline): Pathogenic. Review status: reviewed by expert panel (3 of 4 stars). 10 submissions from 10 submitters: Pathogenic (1). 9 of the submissions do not count toward it. Last evaluated 2016-09-08.

Conditions:
Breast and/or ovarian cancer. Identifiers: MedGen CN221562.
Hereditary breast ovarian cancer syndrome. Also called: Hereditary breast and ovarian cancer; Hereditary breast and ovarian cancer syndrome; Breast and ovarian cancer; Hereditary breast and ovarian cancer syndrome (HBOC); Hereditary breast and/or ovarian cancer syndrome; BRCA1- and BRCA2-Associated Hereditary Breast and Ovarian Cancer. Identifiers: Orphanet 145, MedGen C0677776, MeSH D061325, MONDO:0003582. Disease mechanism: loss of function.
Hereditary cancer-predisposing syndrome. Also called: Hereditary Cancer Syndrome; Neoplastic Syndromes, Hereditary; Tumor predisposition; Hereditary neoplastic syndrome. Identifiers: Orphanet 140162, MedGen C0027672, MeSH D009386, MONDO:0015356.
Breast-ovarian cancer, familial, susceptibility to, 2 (BROVCA2). Also called: BRCA2 Hereditary Breast and Ovarian Cancer. Identifiers: Orphanet 145, MedGen C2675520, MONDO:0012933, OMIM 612555. Disease mechanism: loss of function.

Allele frequency attached by ClinVar (database versions not stated): gnomAD exomes below 0.00001; gnomAD 0.00001; ESP Exome Variant Server 0.00008.

Submissions (10):

Evidence-based Network for the Interpretation of Germline Mutant Alleles (ENIGMA)
Classification: Pathogenic for Breast-ovarian cancer, familial, susceptibility to, 2. Last evaluated: 2016-09-08. Review status: reviewed by expert panel. Criteria: ENIGMA BRCA1/2 Classification Criteria (2015). Collection method: curation. Allele origin: germline.
Comment: Variant allele predicted to encode a truncated non-functional protein.

Ambry Genetics
Classification: Pathogenic for Hereditary cancer-predisposing syndrome. Last evaluated: 2025-02-24. Review status: criteria provided, single submitter. Criteria: Ambry Variant Classification Scheme 2023. Collection method: clinical testing. Allele origin: germline. Not counted in ClinVar's aggregate classification.
Comment: The c.4691dupC pathogenic mutation, located in coding exon 10 of the BRCA2 gene, results from a duplication of C at nucleotide position 4691, causing a translational frameshift with a predicted alternate stop codon (p.T1566Dfs*9). This alteration was identified in an individuals with prostate and pancreatic cancer (Pritchard CC et al. N Engl J Med, 2016 Aug;375:443-53; Smith AL et al. Cancer Lett. 2016 Jan;370(2):302-12). This alteration was also identified in a large, worldwide study of BRCA1/2 mutation positive families (Rebbeck TR et al. Hum Mutat, 2018 05;39:593-620). In addition to the clinical data presented in the literature, this alteration is expected to result in loss of function by premature protein truncation or nonsense-mediated mRNA decay. As such, this alteration is interpreted as a disease-causing mutation.

Labcorp Genetics (formerly Invitae), Labcorp
Classification: Pathogenic for Hereditary breast ovarian cancer syndrome. Last evaluated: 2023-06-05. Review status: criteria provided, single submitter. Criteria: Invitae Variant Classification Sherloc (09022015). Collection method: clinical testing. Allele origin: germline. Not counted in ClinVar's aggregate classification.
Comment: This variant is present in population databases (rs786204209, gnomAD 0.0009%). This sequence change creates a premature translational stop signal (p.Thr1566Aspfs*9) in the BRCA2 gene. It is expected to result in an absent or disrupted protein product. Loss-of-function variants in BRCA2 are known to be pathogenic (PMID: 20104584). This premature translational stop signal has been observed in individual(s) with pancreatic cancer and prostate cancer (PMID: 26546047, 27433846). For these reasons, this variant has been classified as Pathogenic. ClinVar contains an entry for this variant (Variation ID: 188309).

Color Diagnostics, LLC DBA Color Health
Classification: Pathogenic for Hereditary cancer-predisposing syndrome. Last evaluated: 2022-10-11. Review status: criteria provided, single submitter. Criteria: ACMG Guidelines, 2015. Collection method: clinical testing. Allele origin: germline. Not counted in ClinVar's aggregate classification.
Comment: This variant inserts 1 nucleotide in exon 11 of the BRCA2 gene, creating a frameshift and premature translation stop signal. This variant is expected to result in an absent or non-functional protein product. This variant has been reported in individuals affected with pancreatic cancer (PMID: 26546047, 31469826) and prostate cancer (PMID: 27433846). This variant has been identified in 1/251062 chromosomes in the general population by the Genome Aggregation Database (gnomAD). Loss of BRCA2 function is a known mechanism of disease. Based on the available evidence, this variant is classified as Pathogenic.

GeneDx
Classification: Pathogenic. Last evaluated: 2022-07-01. Review status: criteria provided, single submitter. Criteria: GeneDx Variant Classification Process June 2021. Collection method: clinical testing. Allele origin: germline. Affected: yes. Not counted in ClinVar's aggregate classification.
Comment: Frameshift variant predicted to result in protein truncation or nonsense mediated decay in a gene for which loss-of-function is a known mechanism of disease; Truncating variants in this gene are considered pathogenic by a well-established clinical consortium and/or database; Observed in individuals with prostate cancer (Pritchard et al., 2016; Huang et al., 2018); Not observed at significant frequency in large population cohorts (gnomAD); Also known as 4919dupC; This variant is associated with the following publications: (PMID: 27433846, 30720243, 29625052, 33084842)

Quest Diagnostics Nichols Institute San Juan Capistrano
Classification: Pathogenic. Last evaluated: 2020-03-17. Review status: criteria provided, single submitter. Criteria: Quest Diagnostics criteria. Collection method: clinical testing. Allele origin: unknown. Not counted in ClinVar's aggregate classification.
Comment: The variant results in a shift of the reading frame, and is therefore predicted to result in the loss of a functional protein. Found in at least one patient with expected phenotype for this gene, and found in general population data at a frequency that is consistent with pathogenicity.

Laboratory for Molecular Medicine, Mass General Brigham Personalized Medicine
Classification: Pathogenic for Hereditary breast ovarian cancer syndrome. Last evaluated: 2019-03-22. Review status: criteria provided, single submitter. Criteria: ACMG Guidelines, 2015. Collection method: clinical testing. Allele origin: germline. Inheritance: Autosomal dominant inheritance. Not counted in ClinVar's aggregate classification.
Comment: The p.Thr1566AspfsX9 variant in BRCA2 has been reported in 2 individuals with BRCA2-associated cancers (1 individual with prostate cancer and 1 individual with pancreatic cancer; Pritchard 2016, Smith 2016). It has also been identified in 1/113,456 European chromosomes by gnomAD. This variant was classified as Pathogenic on September 8, 2016 by the ClinGen-approved NAME expert panel (Variation ID 188309). It is predicted to cause a frameshift, which alters the protein’s amino acid sequence beginning at position 1566 and leads to a premature termination codon 9 amino acids downstream. This alteration is then predicted to lead to a truncated or absent protein. Loss of function of the BRCA2 gene is an established disease mechanism in autosomal dominant hereditary breast and ovarian cancer syndrome. In summary, this variant meets criteria to be classified as pathogenic for autosomal dominant hereditary breast and ovarian cancer syndrome. ACMG/AMP Criteria applied: PVS1, PM2, PS4_Supporting.

Consortium of Investigators of Modifiers of BRCA1/2 (CIMBA), c/o University of Cambridge
Classification: Pathogenic for Breast-ovarian cancer, familial, susceptibility to, 2. Last evaluated: 2015-10-02. Review status: criteria provided, single submitter. Criteria: CIMBA Mutation Classification guidelines May 2016. Collection method: clinical testing. Allele origin: germline. Not counted in ClinVar's aggregate classification.

Foulkes Cancer Genetics LDI, Lady Davis Institute for Medical Research
Classification: Pathogenic for Breast and/or ovarian cancer. Last evaluated: 2014-07-11. Review status: no assertion criteria provided. Collection method: clinical testing. Allele origin: germline. Study: The Canadian Open Genetics Repository (COGR). Not counted in ClinVar's aggregate classification.

Department of Pathology and Laboratory Medicine, Sinai Health System
Classification: Pathogenic for Breast-ovarian cancer, familial, susceptibility to, 2. Review status: no assertion criteria provided. Collection method: clinical testing. Allele origin: unknown. Affected: yes. Observed: 1 variant allele. Study: The Canadian Open Genetics Repository (COGR). Not counted in ClinVar's aggregate classification.

Literature cited by the submitters: PubMed 26546047 (cited by 5 submitters); PubMed 27433846 (cited by 5 submitters); PubMed 29446198 (cited by Ambry Genetics); PubMed 20104584 (cited by Labcorp Genetics (formerly Invitae), Labcorp); PubMed 31469826 (cited by Color Diagnostics, LLC DBA Color Health); PubMed 30720243 (cited by Quest Diagnostics Nichols Institute San Juan Capistrano).

NM_000059.4(BRCA2):c.4691dup (p.Thr1566fs)

Gene: BRCA2 (BRCA2 DNA repair associated; plus strand). Cytogenetic location: 13q13.1.
Variant type: Duplication.
Coding change: c.4691dup on transcript NM_000059.4 (MANE Select); coding-DNA position 4691, one base duplicated (C; older notation c.4691dupC).
Protein change: p.Thr1566fs; shifts the reading frame from threonine 1566.
Molecular consequence: frameshift variant.
Genome position (GRCh38, 1-based): chr13:32,339,046, C duplicated. VCF-style (leftmost placement, unchanged base first): chr13-32339045-G-GC. GRCh37 (hg19) VCF-style: chr13-32913182-G-GC.
Other names: c.4691dupC (NM_000059.3); short protein forms T1566fs.
Identifiers: ClinVar variation 188309 (VCV000188309.24), dbSNP rs786204209, ClinGen allele CA020650.